The following is an entry in ClinVar:

ClinVar aggregate classification (germline): Uncertain significance. Review status: criteria provided, multiple submitters, no conflicts (2 of 4 stars). 2 submissions from 2 submitters: Uncertain significance (2). Last evaluated 2025-10-13.

Conditions:
Inborn genetic diseases. Identifiers: MedGen C0950123, MeSH D030342.
Fanconi anemia (FA). Also called: Fanconi's anemia. Identifiers: Orphanet 84, MedGen C0015625, MeSH D005199, MONDO:0019391.

Submissions (2):

Labcorp Genetics (formerly Invitae), Labcorp
Classification: Uncertain significance for Fanconi anemia. Last evaluated: 2025-10-13. Review status: criteria provided, single submitter. Criteria: Invitae Variant Classification Sherloc (09022015). Collection method: clinical testing. Allele origin: germline.
Comment: This sequence change replaces glutamic acid, which is acidic and polar, with aspartic acid, which is acidic and polar, at codon 1385 of the FANCA protein (p.Glu1385Asp). This variant is not present in population databases (gnomAD no frequency). This variant has not been reported in the literature in individuals affected with FANCA-related conditions. ClinVar contains an entry for this variant (Variation ID: 855510). Invitae Evidence Modeling of protein sequence and biophysical properties (such as structural, functional, and spatial information, amino acid conservation, physicochemical variation, residue mobility, and thermodynamic stability) indicates that this missense variant is not expected to disrupt FANCA protein function with a negative predictive value of 95%. In summary, the available evidence is currently insufficient to determine the role of this variant in disease. Therefore, it has been classified as a Variant of Uncertain Significance.

Ambry Genetics
Classification: Uncertain significance for Inborn genetic diseases. Last evaluated: 2024-11-26. Review status: criteria provided, single submitter. Criteria: Ambry Variant Classification Scheme 2023. Collection method: clinical testing. Allele origin: germline.
Comment: The p.E1385D variant (also known as c.4155G>C), located in coding exon 41 of the FANCA gene, results from a G to C substitution at nucleotide position 4155. The glutamic acid at codon 1385 is replaced by aspartic acid, an amino acid with highly similar properties. This amino acid position is conserved. In addition, this alteration is predicted to be tolerated by in silico analysis. Based on the available evidence, the clinical significance of this variant remains unclear.

NM_000135.4(FANCA):c.4155G>C (p.Glu1385Asp)

Genes: FANCA (FA complementation group A; minus strand), ZNF276 (zinc finger protein 276; plus strand). Cytogenetic location: 16q24.3.
Variant type: single nucleotide variant.
Coding change: c.4155G>C on transcript NM_000135.4 (MANE Select); coding-DNA position 4155, G replaced by C.
Protein change: p.Glu1385Asp; replaces glutamic acid 1385 with aspartic acid.
Molecular consequence: missense variant. On other transcripts: 3 prime UTR variant (2), non-coding transcript variant (4).
Genome position (GRCh38, 1-based): chr16:89,739,145, C>G on the plus strand (G>C on the coding strand, the complement: FANCA is on the minus strand). VCF-style: chr16-89739145-C-G. GRCh37 (hg19) VCF-style: chr16-89805553-C-G.
Other names: c.4155G>C, p.Glu1385Asp (NM_001286167.3); c.*899C>G (NM_001113525.2, NM_152287.4); short protein forms E1385D.
Identifiers: ClinVar variation 855510 (VCV000855510.10), dbSNP rs770551622, ClinGen allele CA397484277.